The following is an entry in ClinVar:

ClinVar aggregate classification (germline): Uncertain significance (1 of 4 stars; one submission).

Allele frequency attached by ClinVar (database versions not stated): TOPMed below 0.00001.

Submission:

Labcorp Genetics (formerly Invitae), Labcorp
Classification: Uncertain significance. Last evaluated: 2021-08-18. Review status: criteria provided, single submitter. Criteria: Invitae Variant Classification Sherloc (09022015). Collection method: clinical testing. Allele origin: germline.
Comment: This sequence change replaces valine with leucine at codon 220 of the RGS9BP protein (p.Val220Leu). The valine residue is highly conserved and there is a small physicochemical difference between valine and leucine. In summary, the available evidence is currently insufficient to determine the role of this variant in disease. Therefore, it has been classified as a Variant of Uncertain Significance. Algorithms developed to predict the effect of missense changes on protein structure and function are either unavailable or do not agree on the potential impact of this missense change (SIFT: "Tolerated"; PolyPhen-2: "Possibly Damaging"; Align-GVGD: "Class C0"). This variant has not been reported in the literature in individuals affected with RGS9BP-related conditions. This variant is not present in population databases (ExAC no frequency).

NM_207391.3(RGS9BP):c.658G>T (p.Val220Leu)

Gene: RGS9BP (regulator of G protein signaling 9 binding protein; plus strand). Cytogenetic location: 19q13.11.
Variant type: single nucleotide variant.
Coding change: c.658G>T on transcript NM_207391.3 (MANE Select); coding-DNA position 658, G replaced by T.
Protein change: p.Val220Leu; replaces valine 220 with leucine.
Molecular consequence: missense variant.
Genome position (GRCh38, 1-based): chr19:32,676,921, G>T. VCF-style: chr19-32676921-G-T. GRCh37 (hg19) VCF-style: chr19-33167827-G-T.
Other names: short protein forms V220L.
Identifiers: ClinVar variation 1375821 (VCV001375821.6), dbSNP rs558834872, ClinGen allele CA405187660.